The following is an entry in ClinVar:

ClinVar aggregate classification (germline): Uncertain significance. Review status: criteria provided, multiple submitters, no conflicts (2 of 4 stars). 2 submissions from 2 submitters: Uncertain significance (2). Last evaluated 2025-05-27.

Conditions:
Inborn genetic diseases. Identifiers: MedGen C0950123, MeSH D030342.
Acute myeloid leukemia (AML). Also called: Acute myeloid leukemia, adult; AML adult; Acute non-lymphocytic leukemia; Acute granulocytic leukemia; Leukemia, acute myeloid, somatic; Leukemia, acute myelogenous, somatic. Identifiers: Orphanet 519, MedGen C0023467, MeSH D015470, MONDO:0018874, OMIM 601626, HP:0004808. Disease mechanism: Constitutively activated FLT3.

Submissions (2):

Labcorp Genetics (formerly Invitae), Labcorp
Classification: Uncertain significance for Acute myeloid leukemia. Last evaluated: 2025-05-27. Review status: criteria provided, single submitter. Criteria: Invitae Variant Classification Sherloc (09022015). Collection method: clinical testing. Allele origin: germline.
Comment: This variant, c.168_169delinsGA, is a complex sequence change that results in the deletion of 2 and insertion of 2 amino acid(s) in the CEBPA protein (p.Cys56_Glu57delinsTrpLys). Information on the frequency of this variant in the gnomAD database is not available, as this variant may be reported differently in the database. This variant has not been reported in the literature in individuals affected with CEBPA-related conditions. ClinVar contains an entry for this variant (Variation ID: 2198487). Experimental studies and prediction algorithms are not available or were not evaluated, and the functional significance of this variant is currently unknown. In summary, the available evidence is currently insufficient to determine the role of this variant in disease. Therefore, it has been classified as a Variant of Uncertain Significance.

Ambry Genetics
Classification: Uncertain significance for Inborn genetic diseases. Last evaluated: 2025-03-26. Review status: criteria provided, single submitter. Criteria: Ambry Variant Classification Scheme 2023. Collection method: clinical testing. Allele origin: germline.
Comment: The c.168_169delCGinsGA variant (also known as p.C56_E57delinsWK), located in coding exon 1 of the CEBPA gene, results from an in-frame deletion of CG and insertion of GA at nucleotide positions 168 to 169. This results in the substitution of the cysteine and glutamic acid residues for tryptophan and lysine resides at codons 56-57. This amino acid region is not well conserved in available vertebrate species. In addition, the in silico prediction for this alteration is inconclusive (Choi Y et al. PLoS ONE. 2012; 7(10):e46688). Based on the available evidence, the clinical significance of this variant remains unclear.

NM_004364.5(CEBPA):c.168_169delinsGA (p.Cys56_Glu57delinsTrpLys)

Gene: CEBPA (CCAAT enhancer binding protein alpha; minus strand). Cytogenetic location: 19q13.11.
Variant type: Indel.
Coding change: c.168_169delinsGA on transcript NM_004364.5 (MANE Select); coding-DNA positions 168 to 169, CG replaced by GA.
Protein change: p.Cys56_Glu57delinsTrpLys.
Molecular consequence: missense variant. On other transcripts: 5 prime UTR variant (1).
Genome position (GRCh38, 1-based): chr19:33,302,246-33,302,247, CG replaced by TC on the plus strand (CG replaced by GA on the coding strand, the reverse complement: CEBPA is on the minus strand). VCF-style: chr19-33302246-CG-TC. GRCh37 (hg19) VCF-style: chr19-33793152-CG-TC.
Other names: c.-190_-189delinsGA (NM_001285829.2); c.273_274delinsGA, p.Cys91_Glu92delinsTrpLys (NM_001287424.2); c.126_127delinsGA, p.Cys42_Glu43delinsTrpLys (NM_001287435.2).
Identifiers: ClinVar variation 2198487 (VCV002198487.5), dbSNP rs2513332846, ClinGen allele CA2580096808.
Genomic context (GRCh38, chr19:33,302,246, plus strand): 5'-ACTCGTCGTTGAAGGCGGCCGGGTCGATGTAGGCGCTGATGTCGATGGACGTCTCGTGCT[CG>TC]CAGATGCCGCCCAGCGGCTCCGGGGCGGCAGGTGGGGCGGGAGGCTGCGCGGGGCCCGCG-3'